The following is an entry in ClinVar:

ClinVar aggregate classification (germline): Conflicting classifications of pathogenicity. Review status: criteria provided, conflicting classifications (1 of 4 stars). 2 submissions from 2 submitters: Uncertain significance (1); Likely benign (1). Last evaluated 2024-09-20.

Conditions:
Intellectual developmental disorder, autosomal dominant 47. Also called: Intellectual disability, autosomal dominant 47; MENTAL RETARDATION, AUTOSOMAL DOMINANT 47. Identifiers: Orphanet 502434, MedGen C4539951, MONDO:0030912, OMIM 617635.
Inborn genetic diseases. Identifiers: MedGen C0950123, MeSH D030342.

Submissions (2):

3billion
Classification: Likely benign for Intellectual developmental disorder, autosomal dominant 47. Last evaluated: 2024-09-20. Review status: criteria provided, single submitter. Criteria: ACMG Guidelines, 2015. Collection method: clinical testing. Allele origin: germline. Affected: no.
Comment: The variant was identified in at least one patient who was diagnosed with a different variant in another gene and showed no symptoms related to the gene containing the variant in question.

Ambry Genetics
Classification: Uncertain significance for Inborn genetic diseases. Last evaluated: 2023-03-31. Review status: criteria provided, single submitter. Criteria: Ambry Variant Classification Scheme 2023. Collection method: clinical testing. Allele origin: germline.

NM_005862.3(STAG1):c.1600C>T (p.Arg534Cys)

Gene: STAG1 (STAG1 cohesin complex component; minus strand). Cytogenetic location: 3q22.3.
Variant type: single nucleotide variant.
Coding change: c.1600C>T on transcript NM_005862.3 (MANE Select); coding-DNA position 1600, C replaced by T.
Protein change: p.Arg534Cys; replaces arginine 534 with cysteine.
Molecular consequence: missense variant.
Genome position (GRCh38, 1-based): chr3:136,433,606, G>A on the plus strand (C>T on the coding strand, the complement: STAG1 is on the minus strand). VCF-style: chr3-136433606-G-A. GRCh37 (hg19) VCF-style: chr3-136152448-G-A.
Other names: short protein forms R534C.
Identifiers: ClinVar variation 2516302 (VCV002516302.3), dbSNP rs2530452986, ClinGen allele CA354646332.